The following is an entry in ClinVar:

NM_006767.4(LZTR1):c.423T>G (p.Tyr141Ter)

Gene: LZTR1 (leucine zipper like post translational regulator 1; plus strand). Cytogenetic location: 22q11.21.
Variant type: single nucleotide variant.
Coding change: c.423T>G on transcript NM_006767.4 (MANE Select); coding-DNA position 423, T replaced by G.
Protein change: p.Tyr141Ter; replaces tyrosine 141 with a stop codon.
Molecular consequence: nonsense.
Genome position (GRCh38, 1-based): chr22:20,988,032, T>G. VCF-style: chr22-20988032-T-G. GRCh37 (hg19) VCF-style: chr22-21342321-T-G.
Other names: short protein forms Y141*.
Identifiers: ClinVar variation 1738993 (VCV001738993.9), dbSNP rs141357465, ClinGen allele CA10118437.

ClinVar aggregate classification (germline): Pathogenic/Likely pathogenic. Review status: criteria provided, multiple submitters, no conflicts (2 of 4 stars). 3 submissions from 3 submitters: Pathogenic (2); Likely pathogenic (1). Last evaluated 2026-01-20.

Conditions:
Noonan syndrome 10 (NS10). Identifiers: Orphanet 648, MedGen C4225280, MONDO:0014693, OMIM 616564.
Noonan syndrome 2 (NS2). Identifiers: Orphanet 648, MedGen C1854469, MONDO:0011531, OMIM 605275.
LZTR1-related schwannomatosis. Also called: Schwannomatosis 2; Schwannomatosis-2, susceptibility to. Identifiers: Orphanet 93921, MedGen C3810283, MONDO:0014299, OMIM 615670.
Cardiovascular phenotype. Identifiers: MedGen CN230736.
Hereditary cancer-predisposing syndrome. Also called: Hereditary Cancer Syndrome; Hereditary neoplastic syndrome; Neoplastic Syndromes, Hereditary; Tumor predisposition. Identifiers: Orphanet 140162, MedGen C0027672, MeSH D009386, MONDO:0015356.

Allele frequency attached by ClinVar (database versions not stated): TOPMed below 0.00001; ExAC 0.00001; ESP Exome Variant Server 0.00008.

Submissions (3):

Labcorp Genetics (formerly Invitae), Labcorp
Classification: Pathogenic. Last evaluated: 2026-01-20. Review status: criteria provided, single submitter. Criteria: Invitae Variant Classification Sherloc (09022015). Collection method: clinical testing. Allele origin: germline.
Comment: This sequence change creates a premature translational stop signal (p.Tyr141*) in the LZTR1 gene. It is expected to result in an absent or disrupted protein product. Loss-of-function variants in LZTR1 are known to be pathogenic (PMID: 24362817, 25335493, 25480913, 25795793, 29469822, 30368668, 30442762, 30442766, 30481304, 30859559). This variant is present in population databases (rs141357465, gnomAD 0.0009%). This variant has not been reported in the literature in individuals affected with LZTR1-related conditions. ClinVar contains an entry for this variant (Variation ID: 1738993). For these reasons, this variant has been classified as Pathogenic.

Ambry Genetics
Classification: Pathogenic for Cardiovascular phenotype; Hereditary cancer-predisposing syndrome. Last evaluated: 2024-12-04. Review status: criteria provided, single submitter. Criteria: Ambry Variant Classification Scheme 2023. Collection method: clinical testing. Allele origin: germline.
Comment: The p.Y141* pathogenic mutation (also known as c.423T>G), located in coding exon 5 of the LZTR1 gene, results from a T to G substitution at nucleotide position 423. This changes the amino acid from a tyrosine to a stop codon within coding exon 5. Loss-of-function variants in LZTR1 are related to an increased risk for schwannomas and autosomal recessive Noonan syndrome; however, such associations with autosomal dominant Noonan syndrome have not been observed (Piotrowski A et al. Nat Genet. 2014 Feb;46:182-7; Yamamoto GL et al. J Med Genet. 2015 Jun;52:413-21; Johnston JJ et al. Genet Med. 2018 10;20:1175-1185). Based on the supporting evidence, this variant is pathogenic for an increased risk of LZTR1-related schwannomatosis (SWN) and would be expected to cause autosomal recessive Noonan syndrome when present along with a second pathogenic or likely pathogenic variant on the other allele; however, the association of this alteration with autosomal dominant Noonan syndrome is unlikely.

Fulgent Genetics
Classification: Likely pathogenic for Noonan syndrome 2; LZTR1-related schwannomatosis; Noonan syndrome 10. Last evaluated: 2024-05-23. Review status: criteria provided, single submitter. Criteria: ACMG Guidelines, 2015. Collection method: clinical testing. Allele origin: germline.

Literature cited by the submitters: PubMed 24362817 (cited by Labcorp Genetics (formerly Invitae), Labcorp); PubMed 25335493 (cited by Labcorp Genetics (formerly Invitae), Labcorp); PubMed 25480913 (cited by Labcorp Genetics (formerly Invitae), Labcorp); PubMed 25795793 (cited by Labcorp Genetics (formerly Invitae), Labcorp); PubMed 29469822 (cited by Labcorp Genetics (formerly Invitae), Labcorp); PubMed 30368668 (cited by Labcorp Genetics (formerly Invitae), Labcorp); PubMed 30442762 (cited by Labcorp Genetics (formerly Invitae), Labcorp); PubMed 30442766 (cited by Labcorp Genetics (formerly Invitae), Labcorp); PubMed 30481304 (cited by Labcorp Genetics (formerly Invitae), Labcorp); PubMed 30859559 (cited by Labcorp Genetics (formerly Invitae), Labcorp).